The following is an entry in ClinVar:

NM_013450.4(BAZ2B):c.3173A>T (p.Glu1058Val)

Gene: BAZ2B (bromodomain adjacent to zinc finger domain 2B; minus strand). Cytogenetic location: 2q24.2.
Variant type: single nucleotide variant.
Coding change: c.3173A>T on transcript NM_013450.4 (MANE Select); coding-DNA position 3173, A replaced by T.
Protein change: p.Glu1058Val; replaces glutamic acid 1058 with valine.
Molecular consequence: missense variant.
Genome position (GRCh38, 1-based): chr2:159,389,388, T>A on the plus strand (A>T on the coding strand, the complement: BAZ2B is on the minus strand). VCF-style: chr2-159389388-T-A. GRCh37 (hg19) VCF-style: chr2-160245899-T-A.
Other names: c.3065A>T, p.Glu1022Val (NM_001289975.1); c.3011A>T, p.Glu1004Val (NM_001329857.2); c.3098A>T, p.Glu1033Val (NM_001329858.2); short protein forms E1033V, E1058V, E1004V, E1022V.
Identifiers: ClinVar variation 5009715 (VCV005009715.1).

ClinVar aggregate classification (germline): Uncertain significance (1 of 4 stars; one submission).

Submission:

GeneDx
Classification: Uncertain significance. Last evaluated: 2026-02-18. Review status: criteria provided, single submitter. Criteria: GeneDx Variant Classification Process June 2021. Collection method: clinical testing. Allele origin: germline.
Comment: Not observed at significant frequency in large population cohorts (gnomAD); In silico analysis supports that this missense variant has a deleterious effect on protein structure/function; Has not been previously published as pathogenic or benign to our knowledge